The following is an entry in ClinVar:

NM_053025.4(MYLK):c.4952G>T (p.Cys1651Phe)

Gene: MYLK (myosin light chain kinase; minus strand). Cytogenetic location: 3q21.1.
Variant type: single nucleotide variant.
Coding change: c.4952G>T on transcript NM_053025.4 (MANE Select); coding-DNA position 4952, G replaced by T.
Protein change: p.Cys1651Phe; replaces cysteine 1651 with phenylalanine.
Molecular consequence: missense variant.
Genome position (GRCh38, 1-based): chr3:123,638,080, C>A on the plus strand (G>T on the coding strand, the complement: MYLK is on the minus strand). VCF-style: chr3-123638080-C-A. GRCh37 (hg19) VCF-style: chr3-123356927-C-A.
Other names: c.4424G>T, p.Cys1475Phe (NM_001321309.2); c.4745G>T, p.Cys1582Phe (NM_053026.4, NM_053028.4); c.4952G>T, p.Cys1651Phe (NM_053027.4); c.4952G>T (NM_053025.3); short protein forms C1475F, C1582F, C1651F.
Identifiers: ClinVar variation 3766525 (VCV003766525.3).

ClinVar aggregate classification (germline): Uncertain significance. Review status: criteria provided, multiple submitters, no conflicts (2 of 4 stars). 3 submissions from 3 submitters: Uncertain significance (3). Last evaluated 2026-05-08.

Conditions:
Familial thoracic aortic aneurysm and aortic dissection (TAAD). Also called: Thoracic aortic aneurysms and dissections. Identifiers: Orphanet 91387, MedGen C4707243, MONDO:0019625.

Submissions (3):

Ambry Genetics
Classification: Uncertain significance for Familial thoracic aortic aneurysm and aortic dissection. Last evaluated: 2026-05-08. Review status: criteria provided, single submitter. Criteria: Ambry Variant Classification Scheme 2023. Collection method: clinical testing. Allele origin: germline.
Comment: The p.C1651F variant (also known as c.4952G>T), located in coding exon 26 of the MYLK gene, results from a G to T substitution at nucleotide position 4952. The cysteine at codon 1651 is replaced by phenylalanine, an amino acid with highly dissimilar properties. This variant was reported in individual(s) with features consistent with thoracic aortic aneurysm and dissection (TAAD) (Hicks KL et al. J Vasc Surg, 2018 Sep;68:701-711). This amino acid position is highly conserved in available vertebrate species. In addition, the in silico prediction for this alteration is inconclusive. Based on the available evidence, the clinical significance of this variant remains unclear.

Revvity Omics, Revvity
Classification: Uncertain significance. Last evaluated: 2025-04-07. Review status: criteria provided, single submitter. Criteria: ACMG Guidelines, 2015. Collection method: clinical testing. Allele origin: germline.

ARUP Laboratories, Molecular Genetics and Genomics, ARUP Laboratories
Classification: Uncertain significance. Last evaluated: 2024-03-20. Review status: criteria provided, single submitter. Criteria: ARUP Molecular Germline Variant Investigation Process 2024. Collection method: clinical testing. Allele origin: germline.
Comment: The MYLK c.4952G>T; p.Cys1651Phe variant, to our knowledge, is not reported in the medical literature or gene specific databases. This variant is also absent from the Genome Aggregation Database (v2.1.1), indicating it is not a common polymorphism. Computational analyses are uncertain whether this variant is neutral or deleterious (REVEL: 0.506). Due to limited information, the clinical significance of this variant is uncertain at this time.

Literature cited by the submitters: PubMed 29510914 (cited by Ambry Genetics).